The following is an entry in ClinVar:

ClinVar aggregate classification (germline): Uncertain significance (1 of 4 stars; one submission).

Submission:

Labcorp Genetics (formerly Invitae), Labcorp
Classification: Uncertain significance. Last evaluated: 2024-01-22. Review status: criteria provided, single submitter. Criteria: Invitae Variant Classification Sherloc (09022015). Collection method: clinical testing. Allele origin: germline.
Comment: This sequence change replaces glutamic acid, which is acidic and polar, with lysine, which is basic and polar, at codon 182 of the CTNNB1 protein (p.Glu182Lys). This variant is not present in population databases (gnomAD no frequency). This variant has not been reported in the literature in individuals affected with CTNNB1-related conditions. ClinVar contains an entry for this variant (Variation ID: 1716070). Advanced modeling of protein sequence and biophysical properties (such as structural, functional, and spatial information, amino acid conservation, physicochemical variation, residue mobility, and thermodynamic stability) performed at Invitae indicates that this missense variant is expected to disrupt CTNNB1 protein function with a positive predictive value of 80%. In summary, the available evidence is currently insufficient to determine the role of this variant in disease. Therefore, it has been classified as a Variant of Uncertain Significance.

NM_001904.4(CTNNB1):c.544G>A (p.Glu182Lys)

Genes: CTNNB1 (catenin beta 1; plus strand), LOC126806658 (BRD4-independent group 4 enhancer GRCh37_chr3:41265899-41267098; plus strand). Cytogenetic location: 3p22.1.
Variant type: single nucleotide variant.
Coding change: c.544G>A on transcript NM_001904.4 (MANE Select); coding-DNA position 544, G replaced by A.
Protein change: p.Glu182Lys; replaces glutamic acid 182 with lysine.
Molecular consequence: missense variant.
Genome position (GRCh38, 1-based): chr3:41,225,382, G>A. VCF-style: chr3-41225382-G-A. GRCh37 (hg19) VCF-style: chr3-41266873-G-A.
Other names: c.544G>A, p.Glu182Lys (NM_001098209.2, NM_001098210.2); c.523G>A, p.Glu175Lys (NM_001330729.2); short protein forms E175K, E182K.
Identifiers: ClinVar variation 1716070 (VCV001716070.6), dbSNP rs2125622425, ClinGen allele CA352229542.